The following is an entry in ClinVar:

ClinVar aggregate classification (germline): Uncertain significance. Review status: criteria provided, multiple submitters, no conflicts (2 of 4 stars). 3 submissions from 3 submitters: Uncertain significance (3). Last evaluated 2023-05-04.

Conditions:
Classic or attenuated familial adenomatous polyposis. Identifiers: MedGen CN372698, MONDO:0021057.
Hereditary cancer-predisposing syndrome. Also called: Hereditary neoplastic syndrome; Neoplastic Syndromes, Hereditary; Tumor predisposition; Hereditary Cancer Syndrome. Identifiers: Orphanet 140162, MedGen C0027672, MeSH D009386, MONDO:0015356.

Allele frequency attached by ClinVar (database versions not stated): TOPMed below 0.00001.

Submissions (3):

All of Us Research Program, National Institutes of Health
Classification: Uncertain significance for Classic or attenuated familial adenomatous polyposis. Last evaluated: 2023-05-04. Review status: criteria provided, single submitter. Criteria: ACMG Guidelines, 2015. Collection method: clinical testing. Allele origin: germline. Inheritance: Autosomal dominant inheritance. Observed: 1 variant allele, 1 heterozygote.
Comment: This missense variant replaces glutamine with glutamic acid at codon 1152 of the APC protein. Computational prediction suggests that this variant may not impact protein structure and function (internally defined REVEL score threshold <= 0.5, PMID: 27666373). To our knowledge, functional studies have not been reported for this variant. This variant has not been reported in individuals affected with APC-related disorders in the literature. This variant has not been identified in the general population by the Genome Aggregation Database (gnomAD). The available evidence is insufficient to determine the role of this variant in disease conclusively. Therefore, this variant is classified as a Variant of Uncertain Significance.

This study involves interpretation of variants in research participants for the purpose of population health screening. Participant phenotype was not available at the time of variant classification. Additional details can be found in publication PMID: 35346344, PMCID: PMC8962531

Ambry Genetics
Classification: Uncertain significance for Hereditary cancer-predisposing syndrome. Last evaluated: 2020-06-16. Review status: criteria provided, single submitter. Criteria: Ambry Variant Classification Scheme 2023. Collection method: clinical testing. Allele origin: germline.
Comment: The p.Q1152E variant (also known as c.3454C>G), located in coding exon 15 of the APC gene, results from a C to G substitution at nucleotide position 3454. The glutamine at codon 1152 is replaced by glutamic acid, an amino acid with highly similar properties. This amino acid position is highly conserved in available vertebrate species. In addition, in silico predictors for this gene do not accurately predict pathogenicity. Since supporting evidence is limited at this time, the clinical significance of this alteration remains unclear.

GeneDx
Classification: Uncertain significance. Last evaluated: 2016-06-30. Review status: criteria provided, single submitter. Criteria: GeneDx Variant Classification (06012015). Collection method: clinical testing. Allele origin: germline. Affected: yes.
Comment: This variant is denoted APC c.3454C>G at the cDNA level, p.Gln1152Glu (Q1152E) at the protein level, and results in the change of a Glutamine to a Glutamic Acid (CAG>GAG). This variant has not, to our knowledge, been published in the literature as pathogenic or benign. APC Gln1152Glu was not observed in approximately 6,500 individuals of European and African American ancestry in the NHLBI Exome Sequencing Project, suggesting it is not a common benign variant in these populations. Since Glutamine and Glutamic Acid differ in some properties, this is considered a semi-conservative amino acid substitution. APC Gln1152Glu occurs at a position that is conserved across species and is located within the beta-catenin binding domain (Azzopardi 2008). In silico analyses are inconsistent regarding the effect this variant may have on protein structure and function. Based on currently available evidence, it is unclear whether APC Gln1152Glu is a pathogenic or benign variant. We consider it to be a variant of uncertain significance.

NM_000038.6(APC):c.3454C>G (p.Gln1152Glu)

Gene: APC (APC regulator of Wnt signaling pathway; plus strand). Cytogenetic location: 5q22.2.
Variant type: single nucleotide variant.
Coding change: c.3454C>G on transcript NM_000038.6 (MANE Select); coding-DNA position 3454, C replaced by G.
Protein change: p.Gln1152Glu; replaces glutamine 1152 with glutamic acid.
Molecular consequence: missense variant.
Genome position (GRCh38, 1-based): chr5:112,839,048, C>G. VCF-style: chr5-112839048-C-G. GRCh37 (hg19) VCF-style: chr5-112174745-C-G.
Other names: c.3454C>G, p.Gln1152Glu (NM_001127510.3, NM_001354895.2); c.3400C>G, p.Gln1134Glu (NM_001127511.3); c.3508C>G, p.Gln1170Glu (NM_001354896.2); c.3484C>G, p.Gln1162Glu (NM_001354897.2); c.3379C>G, p.Gln1127Glu (NM_001354898.2); c.3370C>G, p.Gln1124Glu (NM_001354899.2); c.3331C>G, p.Gln1111Glu (NM_001354900.2); c.3277C>G, p.Gln1093Glu (NM_001354901.2); and 5 more; short protein forms Q1134E, Q1152E, Q1026E, Q1124E, Q1170E, Q1051E, Q1061E, Q1127E.
Identifiers: ClinVar variation 421584 (VCV000421584.5), dbSNP rs1064795228, ClinGen allele CA16028908.